The following is an entry in ClinVar:

NM_001370259.2(MEN1):c.445+15G>C

Gene: MEN1 (menin 1; minus strand). Cytogenetic location: 11q13.1.
Variant type: single nucleotide variant.
Coding change: c.445+15G>C on transcript NM_001370259.2 (MANE Select); 15 bases into the intron after coding-DNA position 445, G replaced by C.
Molecular consequence: intron variant. On other transcripts: missense variant (8), non-coding transcript variant (2).
Genome position (GRCh38, 1-based): chr11:64,809,650, C>G on the plus strand (G>C on the coding strand, the complement: MEN1 is on the minus strand). VCF-style: chr11-64809650-C-G. GRCh37 (hg19) VCF-style: chr11-64577122-C-G.
Other names: c.445+15G>C (NM_001370262.2, NM_001370261.2, NM_001407143.1 and 12 more transcripts); c.460G>C, p.Gly154Arg (NM_000244.4, NM_001407145.1, NM_001407150.1 and 5 more transcripts); short protein forms G154R.
Identifiers: ClinVar variation 4813135 (VCV004813135.1).

ClinVar aggregate classification (germline): Uncertain significance (1 of 4 stars; one submission).

Conditions:
Multiple endocrine neoplasia, type 1 (MEN1). Also called: MEN I; WERMER SYNDROME; Endocrine adenomatosis multiple; MEN 1; MEA I. Identifiers: Orphanet 652, MedGen C0025267, MeSH D018761, MONDO:0007540, OMIM 131100.

gnomAD v4.1: 5 of 1,613,894 alleles (0.00031%); highest among the groups gnomAD compares: Admixed American, 0.0083%; no homozygotes.

Submission:

St. Jude Molecular Pathology, St. Jude Children's Research Hospital
Classification: Uncertain significance for Multiple endocrine neoplasia, type 1. Last evaluated: 2026-02-11. Review status: criteria provided, single submitter. Criteria: St. Jude Assertion Criteria 2020. Collection method: clinical testing. Allele origin: germline.
Comment: The MEN1 c.460G>C p.(Gly154Arg) missense change has a maximum population frequency of 0.009% in gnomAD v2.1.1. The in silico tool REVEL predicts a deleterious effect on protein function, but to our knowledge this prediction has not been confirmed by functional studies. To our knowledge, this variant has not been reported in individuals with multiple endocrine neoplasia type I. In summary, the evidence currently available is insufficient to determine the clinical significance of this variant. It has therefore been classified as of uncertain significance.